The following is an entry in ClinVar:

NM_017671.5(FERMT1):c.1034C>T (p.Ala345Val)

Gene: FERMT1 (FERM domain containing kindlin 1; minus strand). Cytogenetic location: 20p12.3.
Variant type: single nucleotide variant.
Coding change: c.1034C>T on transcript NM_017671.5 (MANE Select); coding-DNA position 1034, C replaced by T.
Protein change: p.Ala345Val; replaces alanine 345 with valine.
Molecular consequence: missense variant.
Genome position (GRCh38, 1-based): chr20:6,096,957, G>A on the plus strand (C>T on the coding strand, the complement: FERMT1 is on the minus strand). VCF-style: chr20-6096957-G-A. GRCh37 (hg19) VCF-style: chr20-6077604-G-A.
Other names: short protein forms A345V.
Identifiers: ClinVar variation 450561 (VCV000450561.7), dbSNP rs150581071, ClinGen allele CA9758274.

ClinVar aggregate classification (germline): Uncertain significance. Review status: criteria provided, multiple submitters, no conflicts (2 of 4 stars). 4 submissions from 4 submitters: Uncertain significance (4). Last evaluated 2026-03-02.

Conditions:
FERMT1-related disorder. Also called: FERMT1-related condition.
Inborn genetic diseases. Identifiers: MedGen C0950123, MeSH D030342.

Allele frequency attached by ClinVar (database versions not stated): ExAC 0.00002; gnomAD exomes 0.00002 and 0.00003; TOPMed 0.00002; gnomAD 0.00004; ESP Exome Variant Server 0.00008.
gnomAD v4.1: 44 of 1,613,696 alleles (0.0027%); highest among the groups gnomAD compares: African/African-American, 0.008%; no homozygotes.

Submissions (4):

PreventionGenetics, part of Exact Sciences
Classification: Uncertain significance for FERMT1-related condition. Last evaluated: 2026-03-02. Review status: criteria provided, single submitter. Criteria: ACMG Guidelines, 2015. Collection method: clinical testing. Allele origin: germline.
Comment: The FERMT1 c.1034C>T variant is predicted to result in the amino acid substitution p.Ala345Val. To our knowledge, this variant has not been reported in the literature. This variant is reported in 0.012% of alleles in individuals of African descent in gnomAD. At this time, the clinical significance of this variant is uncertain due to the absence of conclusive functional and genetic evidence.

Ambry Genetics
Classification: Uncertain significance for Inborn genetic diseases. Last evaluated: 2023-07-25. Review status: criteria provided, single submitter. Criteria: Ambry Variant Classification Scheme 2023. Collection method: clinical testing. Allele origin: germline.

Labcorp Genetics (formerly Invitae), Labcorp
Classification: Uncertain significance. Last evaluated: 2022-12-01. Review status: criteria provided, single submitter. Criteria: Invitae Variant Classification Sherloc (09022015). Collection method: clinical testing. Allele origin: germline.
Comment: In summary, the available evidence is currently insufficient to determine the role of this variant in disease. Therefore, it has been classified as a Variant of Uncertain Significance. Advanced modeling of protein sequence and biophysical properties (such as structural, functional, and spatial information, amino acid conservation, physicochemical variation, residue mobility, and thermodynamic stability) performed at Invitae indicates that this missense variant is not expected to disrupt FERMT1 protein function. ClinVar contains an entry for this variant (Variation ID: 450561). This variant has not been reported in the literature in individuals affected with FERMT1-related conditions. This variant is present in population databases (rs150581071, gnomAD 0.007%). This sequence change replaces alanine, which is neutral and non-polar, with valine, which is neutral and non-polar, at codon 345 of the FERMT1 protein (p.Ala345Val).

GeneDx
Classification: Uncertain significance. Last evaluated: 2017-07-18. Review status: criteria provided, single submitter. Criteria: GeneDx Variant Classification (06012015). Collection method: clinical testing. Allele origin: germline. Affected: yes.
Comment: The A345V variant in the FERMT1 gene has not been reported previously as a pathogenic variant, nor as a benign variant, to our knowledge. The A345V variant is not observed at a significant frequency in large population cohorts (Lek et al., 2016; 1000 Genomes Consortium et al., 2015; Exome Variant Server). The A345V variant is a conservative amino acid substitution, which is not likely to impact secondary protein structure as these residues share similar properties. This substitution occurs at a position that is conserved across species. In silico analysis predicts this variant is probably damaging to the protein structure/function. We interpret A345V as a variant of uncertain significance.